The following is an entry in ClinVar:

ClinVar aggregate classification (germline): Likely benign (1 of 4 stars; one submission).

gnomAD v4.1: 122 of 1,612,564 alleles (0.0076%); highest among the groups gnomAD compares: Non-Finnish European, 0.0097%; no homozygotes.

Submission:

CeGaT Center for Human Genetics Tuebingen
Classification: Likely benign. Last evaluated: 2026-09-01. Review status: criteria provided, single submitter. Criteria: CeGaT Center For Human Genetics Tuebingen Variant Classification Criteria Version 2. Collection method: clinical testing. Allele origin: germline. Affected: yes. Observed: 1 variant allele.
Comment: ATP5MGL: BP4, BP7

NM_001165877.1(ATP5MGL):c.102C>T (p.Thr34=)

Genes: ATP5MGL (ATP synthase membrane subunit g like; minus strand), CYB5R3 (cytochrome b5 reductase 3; minus strand). Cytogenetic location: 22q13.2.
Variant type: single nucleotide variant.
Coding change: c.102C>T on transcript NM_001165877.1 (MANE Select); coding-DNA position 102, C replaced by T.
Protein change: p.Thr34=; no amino-acid change (threonine 34 retained).
Molecular consequence: synonymous variant. On other transcripts: intron variant (5).
Genome position (GRCh38, 1-based): chr22:42,640,173, G>A on the plus strand (C>T on the coding strand, the complement: ATP5MGL is on the minus strand). VCF-style: chr22-42640173-G-A. GRCh37 (hg19) VCF-style: chr22-43036179-G-A.
Other names: c.22-3327C>T (NM_000398.7); c.-48-3327C>T (NM_007326.4, NM_001171661.1, NM_001129819.2); c.121-3327C>T (NM_001171660.2).
Identifiers: ClinVar variation 5041001 (VCV005041001.1).